The following is an entry in ClinVar:

ClinVar aggregate classification (germline): Likely benign. Review status: criteria provided, multiple submitters, no conflicts (2 of 4 stars). 2 submissions from 2 submitters: Likely benign (2). Last evaluated 2022-12-18.

Conditions:
Hereditary cancer-predisposing syndrome. Also called: Hereditary Cancer Syndrome; Neoplastic Syndromes, Hereditary; Tumor predisposition; Hereditary neoplastic syndrome. Identifiers: Orphanet 140162, MedGen C0027672, MeSH D009386, MONDO:0015356.

Allele frequency attached by ClinVar (database versions not stated): gnomAD 0.00001.

Submissions (2):

Ambry Genetics
Classification: Likely benign for Hereditary cancer-predisposing syndrome. Last evaluated: 2022-12-18. Review status: criteria provided, single submitter. Criteria: Ambry Variant Classification Scheme 2023. Collection method: clinical testing. Allele origin: germline.

GeneDx
Classification: Likely benign. Last evaluated: 2018-01-31. Review status: criteria provided, single submitter. Criteria: GeneDx Variant Classification (06012015). Collection method: clinical testing. Allele origin: germline. Affected: yes.
Comment: This variant is considered likely benign or benign based on one or more of the following criteria: it is a conservative change, it occurs at a poorly conserved position in the protein, it is predicted to be benign by multiple in silico algorithms, and/or has population frequency not consistent with disease.

NM_144997.7(FLCN):c.1557T>C (p.Phe519=)

Gene: FLCN (folliculin; minus strand). Cytogenetic location: 17p11.2.
Variant type: single nucleotide variant.
Coding change: c.1557T>C on transcript NM_144997.7 (MANE Select); coding-DNA position 1557, T replaced by C.
Protein change: p.Phe519=; no amino-acid change (phenylalanine 519 retained).
Molecular consequence: synonymous variant.
Genome position (GRCh38, 1-based): chr17:17,213,838, A>G on the plus strand (T>C on the coding strand, the complement: FLCN is on the minus strand). VCF-style: chr17-17213838-A-G. GRCh37 (hg19) VCF-style: chr17-17117152-A-G.
Other names: c.1557T>C (LRG_325t1); c.1611T>C, p.Phe537= (NM_001353229.2); c.1557T>C, p.Phe519= (NM_001353230.2, NM_001353231.2).
Identifiers: ClinVar variation 515265 (VCV000515265.3), dbSNP rs1555606453, ClinGen allele CA498163163.